The following is an entry in ClinVar:

ClinVar aggregate classification (germline): Pathogenic. Review status: criteria provided, multiple submitters, no conflicts (2 of 4 stars). 3 submissions from 3 submitters: Pathogenic (2). 1 of the submissions does not count toward it. Last evaluated 2025-04-23.

Conditions:
Familial thoracic aortic aneurysm and aortic dissection (TAAD). Also called: Thoracic aortic aneurysms and dissections. Identifiers: Orphanet 91387, MedGen C4707243, MONDO:0019625.
Marfan syndrome (MFS). Also called: FBN1-Related Marfan Syndrome; Marfan syndrome type 1; Marfan's syndrome; Marfan syndrome, classic; MARFAN SYNDROME, TYPE I. Identifiers: Orphanet 284963, Orphanet 558, MedGen C0024796, MONDO:0007947, OMIM 154700.
Neonatal Marfan syndrome. Identifiers: Orphanet 284979, MedGen C4016054, MONDO:0017309.
FBN1-related disorder. Also called: FBN1-related disorders.

Submissions (3):

PreventionGenetics, part of Exact Sciences
Classification: Pathogenic for FBN1-related condition. Last evaluated: 2025-04-23. Review status: criteria provided, single submitter. Criteria: ACMG Guidelines, 2015. Collection method: clinical testing. Allele origin: germline.
Comment: The FBN1 c.3095G>A variant is predicted to result in the amino acid substitution p.Cys1032Tyr. This variant has been reported in multiple individuals with Marfan syndrome, including at least one de novo case (see for example: Ng et al. 1999. PubMed ID: 10404462; Comeglio et al. 2007. PubMed ID: 17657824; Table S1, Taniguchi et al. 2023. PubMed ID: 34916231). In vitro experimental studies showed that this variant impacts protein function (Kirschner et al. 2011. PubMed ID: 21784848). Missense variants in FBN1 that create or destroy a cysteine residue are documented to cause Marfan syndrome (Dietz et al. 1993. [Updated 2022] PubMed ID: 20301510; Comeglio et al. 2007. PubMed ID: 17657824; Stheneur et al. 2009. PubMed ID: 19293843). This variant has not been reported in a large population database (gnomAD), indicating this variant is rare. This variant is interpreted as pathogenic.

Labcorp Genetics (formerly Invitae), Labcorp
Classification: Pathogenic for Marfan syndrome; Familial thoracic aortic aneurysm and aortic dissection. Last evaluated: 2022-05-19. Review status: criteria provided, single submitter. Criteria: Invitae Variant Classification Sherloc (09022015). Collection method: clinical testing. Allele origin: germline.
Comment: This missense change has been observed in individual(s) with infantile-onset and classic Marfan syndrome (PMID: 10404462, 19002209, 19293843). In at least one individual the variant was observed to be de novo. ClinVar contains an entry for this variant (Variation ID: 16462). Advanced modeling of protein sequence and biophysical properties (such as structural, functional, and spatial information, amino acid conservation, physicochemical variation, residue mobility, and thermodynamic stability) performed at Invitae indicates that this missense variant is expected to disrupt FBN1 protein function. Experimental studies have shown that this missense change affects FBN1 function (PMID: 21784848). This variant affects a cysteine residue in the EGF-like, TGFBP or hybrid motif domains of FBN1. Cysteine residues are believed to be involved in intramolecular disulfide bridges and have been shown to be important for FBN1 protein structure (PMID: 16905551, 19349279). In addition, missense substitutions affecting cysteine residues within these domains are significantly overrepresented among patients with Marfan syndrome (PMID: 16571647, 17701892). For these reasons, this variant has been classified as Pathogenic. This variant is not present in population databases (gnomAD no frequency). This sequence change replaces cysteine, which is neutral and slightly polar, with tyrosine, which is neutral and polar, at codon 1032 of the FBN1 protein (p.Cys1032Tyr).

OMIM
Classification: Pathogenic for MARFAN SYNDROME, NEONATAL. Last evaluated: 2004-01-01. Review status: no assertion criteria provided. Collection method: literature only. Allele origin: germline. Not counted in ClinVar's aggregate classification.

Literature cited by the submitters: PubMed 10404462 (cited by Labcorp Genetics (formerly Invitae), Labcorp); PubMed 19002209 (cited by Labcorp Genetics (formerly Invitae), Labcorp); PubMed 19293843 (cited by Labcorp Genetics (formerly Invitae), Labcorp); PubMed 21784848 (cited by Labcorp Genetics (formerly Invitae), Labcorp); PubMed 16905551 (cited by Labcorp Genetics (formerly Invitae), Labcorp); PubMed 19349279 (cited by Labcorp Genetics (formerly Invitae), Labcorp); PubMed 16571647 (cited by Labcorp Genetics (formerly Invitae), Labcorp); PubMed 17701892 (cited by Labcorp Genetics (formerly Invitae), Labcorp); PubMed 15287423 (cited by OMIM).

NM_000138.5(FBN1):c.3095G>A (p.Cys1032Tyr)

Gene: FBN1 (fibrillin 1; minus strand). Cytogenetic location: 15q21.1.
Variant type: single nucleotide variant.
Coding change: c.3095G>A on transcript NM_000138.5 (MANE Select); coding-DNA position 3095, G replaced by A.
Protein change: p.Cys1032Tyr; replaces cysteine 1032 with tyrosine.
Molecular consequence: missense variant.
Genome position (GRCh38, 1-based): chr15:48,488,481, C>T on the plus strand (G>A on the coding strand, the complement: FBN1 is on the minus strand). VCF-style: chr15-48488481-C-T. GRCh37 (hg19) VCF-style: chr15-48780678-C-T.
Other names: short protein forms C1032Y.
Identifiers: ClinVar variation 16462 (VCV000016462.10), dbSNP rs137854481, ClinGen allele CA013783.
Genomic context (GRCh38, chr15:48,488,481, plus strand): 5'-TTAAAGCTGCCAATGGTGTTTCTGCACTTGCCGTGGGTGCAGAGGCTGGGTATCATCTTG[C>T]ACTCATTGATATCTTCAAGAATAAGAAAATGTGGGGCAAAATAAGTTTATGAGCAAGCAG-3'
Protein context (NP_000129.3, residues 1022-1042): GKPFFKDINE[Cys1032Tyr]KMIPSLCTHG